The following is an entry in ClinVar:

NM_001303052.2(MYT1L):c.48G>A (p.Gly16=)

Gene: MYT1L (myelin transcription factor 1 like; minus strand). Cytogenetic location: 2p25.3.
Variant type: single nucleotide variant.
Coding change: c.48G>A on transcript NM_001303052.2 (MANE Select); coding-DNA position 48, G replaced by A.
Protein change: p.Gly16=; no amino-acid change (glycine 16 retained).
Molecular consequence: synonymous variant.
Genome position (GRCh38, 1-based): chr2:1,979,730, C>T on the plus strand (G>A on the coding strand, the complement: MYT1L is on the minus strand). VCF-style: chr2-1979730-C-T. GRCh37 (hg19) VCF-style: chr2-1983502-C-T.
Other names: c.48G>A, p.Gly16= (NM_001329844.2, NM_001329845.1, NM_001329846.3 and 6 more transcripts); c.48G>A (NM_015025.2).
Identifiers: ClinVar variation 718729 (VCV000718729.18), dbSNP rs377141211, ClinGen allele CA1514491.

ClinVar aggregate classification (germline): Likely benign. Review status: criteria provided, multiple submitters, no conflicts (2 of 4 stars). 3 submissions from 3 submitters: Likely benign (3). Last evaluated 2025-06-12.

Conditions:
Inborn genetic diseases. Identifiers: MedGen C0950123, MeSH D030342.

Allele frequency attached by ClinVar (database versions not stated): gnomAD exomes 0.00008; gnomAD 0.00009 and 0.00010; ExAC 0.00011; TOPMed 0.00014; 1000 Genomes Project 30x 0.00016; 1000 Genomes Project 0.00020; ESP Exome Variant Server 0.00024.
gnomAD v4.1: 244 of 1,614,004 alleles (0.015%); highest among the groups gnomAD compares: Non-Finnish European, 0.019%; 2 homozygotes.

Submissions (3):

Ambry Genetics
Classification: Likely benign for Inborn genetic diseases. Last evaluated: 2025-06-12. Review status: criteria provided, single submitter. Criteria: Ambry Variant Classification Scheme 2023. Collection method: clinical testing. Allele origin: germline.

CeGaT Center for Human Genetics Tuebingen
Classification: Likely benign. Last evaluated: 2024-10-01. Review status: criteria provided, single submitter. Criteria: CeGaT Center For Human Genetics Tuebingen Variant Classification Criteria Version 2. Collection method: clinical testing. Allele origin: germline. Affected: yes. Observed: 1 variant allele.
Comment: MYT1L: BP4, BP7

Labcorp Genetics (formerly Invitae), Labcorp
Classification: Likely benign. Last evaluated: 2019-12-31. Review status: criteria provided, single submitter. Criteria: Invitae Variant Classification Sherloc (09022015). Collection method: clinical testing. Allele origin: germline.